The following is an entry in ClinVar:

ClinVar aggregate classification (germline): Uncertain significance (1 of 4 stars; one submission).

Allele frequency attached by ClinVar (database versions not stated): gnomAD exomes 0.00004; gnomAD 0.00005; TOPMed 0.00007; ExAC 0.00021.
gnomAD v4.1: 66 of 1,614,022 alleles (0.0041%); highest among the groups gnomAD compares: Admixed American, 0.11%; no homozygotes.

Submission:

Labcorp Genetics (formerly Invitae), Labcorp
Classification: Uncertain significance. Last evaluated: 2025-11-26. Review status: criteria provided, single submitter. Criteria: Invitae Variant Classification Sherloc (09022015). Collection method: clinical testing. Allele origin: germline.
Comment: This sequence change replaces lysine, which is basic and polar, with glutamic acid, which is acidic and polar, at codon 328 of the P2RY12 protein (p.Lys328Glu). This variant is present in population databases (rs748857978, gnomAD 0.2%). This variant has not been reported in the literature in individuals affected with P2RY12-related conditions. ClinVar contains an entry for this variant (Variation ID: 2065387). An algorithm developed to predict the effect of missense changes on protein structure and function outputs the following: PolyPhen-2: "Benign". The glutamic acid amino acid residue is found in multiple mammalian species, which suggests that this missense change does not adversely affect protein function. In summary, the available evidence is currently insufficient to determine the role of this variant in disease. Therefore, it has been classified as a Variant of Uncertain Significance.

NM_022788.5(P2RY12):c.982A>G (p.Lys328Glu)

Genes: MED12L (mediator complex subunit 12L; plus strand), P2RY12 (purinergic receptor P2Y12; minus strand). Cytogenetic location: 3q25.1.
Variant type: single nucleotide variant.
Coding change: c.982A>G on transcript NM_022788.5 (MANE Select); coding-DNA position 982, A replaced by G.
Protein change: p.Lys328Glu; replaces lysine 328 with glutamic acid.
Molecular consequence: missense variant. On other transcripts: intron variant (2).
Genome position (GRCh38, 1-based): chr3:151,337,864, T>C on the plus strand (A>G on the coding strand, the complement: P2RY12 is on the minus strand). VCF-style: chr3-151337864-T-C. GRCh37 (hg19) VCF-style: chr3-151055652-T-C.
Other names: c.982A>G, p.Lys328Glu (NM_176876.3); c.2251-12195T>C (NM_001393769.1); c.2146-12195T>C (NM_053002.6); short protein forms K328E.
Identifiers: ClinVar variation 2065387 (VCV002065387.4), dbSNP rs748857978, ClinGen allele CA2667767.